The following is an entry in ClinVar:

NM_013432.5(TONSL):c.1483GAC[1] (p.Asp496del)

Genes: TONSL (tonsoku like, DNA repair protein; minus strand), TONSL-AS1 (TONSL antisense RNA 1; plus strand). Cytogenetic location: 8q24.3.
Variant type: Microsatellite.
Coding change: c.1483GAC[1] on transcript NM_013432.5 (MANE Select); one copy of the 3-base unit GAC starting at c.1483; the reference has two copies in a row; one copy, 3 bases deleted.
Protein change: p.Asp496del; deletes aspartic acid 496.
Molecular consequence: inframe deletion. On other transcripts: non-coding transcript variant (1).
Genome position (GRCh38, 1-based): chr8:144,438,728-144,438,730, GTC deleted on the plus strand (GAC on the coding strand, the reverse complement: TONSL is on the minus strand); deleting any 3 consecutive bases within chr8:144,438,728-144,438,733 gives the same sequence; the position shown is the placement nearest the transcript's 3' end. VCF-style (leftmost placement, unchanged base first): chr8-144438727-TGTC-T. GRCh37 (hg19) VCF-style: chr8-145664110-TGTC-T.
Other names: short protein forms D496del.
Identifiers: ClinVar variation 1422097 (VCV001422097.7), dbSNP rs778043482, ClinGen allele CA4943194.

ClinVar aggregate classification (germline): Uncertain significance (1 of 4 stars; one submission).

Submission:

Labcorp Genetics (formerly Invitae), Labcorp
Classification: Uncertain significance. Last evaluated: 2024-10-25. Review status: criteria provided, single submitter. Criteria: Invitae Variant Classification Sherloc (09022015). Collection method: clinical testing. Allele origin: germline.
Comment: This variant, c.1486_1488del, results in the deletion of 1 amino acid(s) of the TONSL protein (p.Asp496del), but otherwise preserves the integrity of the reading frame. This variant is present in population databases (rs778043482, gnomAD 0.003%). This variant has not been reported in the literature in individuals affected with TONSL-related conditions. Experimental studies and prediction algorithms are not available or were not evaluated, and the functional significance of this variant is currently unknown. In summary, the available evidence is currently insufficient to determine the role of this variant in disease. Therefore, it has been classified as a Variant of Uncertain Significance.